The following is an entry in ClinVar:

NM_001005242.3(PKP2):c.1379-2066C>T

Gene: PKP2 (plakophilin 2; minus strand). Cytogenetic location: 12p11.21.
Variant type: single nucleotide variant.
Coding change: c.1379-2066C>T on transcript NM_001005242.3 (MANE Select); 2066 bases into the intron before coding-DNA position 1379, C replaced by T.
Molecular consequence: intron variant. On other transcripts: missense variant (1).
Genome position (GRCh38, 1-based): chr12:32,843,271, G>A on the plus strand (C>T on the coding strand, the complement: PKP2 is on the minus strand). VCF-style: chr12-32843271-G-A. GRCh37 (hg19) VCF-style: chr12-32996205-G-A.
Other names: c.1421C>T, p.Ala474Val (NM_004572.4); short protein forms A474V.
Identifiers: ClinVar variation 191765 (VCV000191765.24), dbSNP rs373399921, ClinGen allele CA010611.
Genomic context (GRCh38, chr12:32,843,271, plus strand): 5'-GACCTCGTGATCCGCCCGCCTTGGCCTCCCAAAGTGCTGGGATTACAGGCGTGAGCCACC[G>A]CGCCCGGCCAGCCATTCCTACTTCTTAAATTGACTGTATGGTCTGTACAAAGGAAAGAGG-3'

ClinVar aggregate classification (germline): Conflicting classifications of pathogenicity. Review status: criteria provided, conflicting classifications (1 of 4 stars). 8 submissions from 8 submitters: Uncertain significance (1); Benign (1); Likely benign (3). 3 of the submissions do not count toward it. Last evaluated 2026-01-10.

Conditions:
Arrhythmogenic right ventricular dysplasia 9 (ARVD9). Also called: ARRHYTHMOGENIC RIGHT VENTRICULAR DYSPLASIA, FAMILIAL, 9; Arrhythmogenic Right Ventricular Dysplasia/Cardiomyopathy 9. Identifiers: MedGen C1836906, MONDO:0012180, OMIM 609040.
PKP2-related disorder. Also called: PKP2-related condition.
Cardiomyopathy (CMYO). Also called: Cardiomyopathies. Identifiers: Orphanet 167848, MedGen C0878544, MONDO:0004994, HP:0001638. Inheritance: Various modes of inheritance.
Cardiovascular phenotype. Identifiers: MedGen CN230736.

Allele frequency attached by ClinVar (database versions not stated): gnomAD exomes 0.00004 and 0.00018; gnomAD 0.00014 and 0.00015; TOPMed 0.00014; ExAC 0.00021; 1000 Genomes Project 0.00040; 1000 Genomes Project 30x 0.00047.
gnomAD v4.1: 79 of 1,331,418 alleles (0.0059%); highest among the groups gnomAD compares: East Asian, 0.27%; no homozygotes.

Submissions (8):

Labcorp Genetics (formerly Invitae), Labcorp
Classification: Likely benign for Arrhythmogenic right ventricular dysplasia 9. Last evaluated: 2026-01-10. Review status: criteria provided, single submitter. Criteria: Invitae Variant Classification Sherloc (09022015). Collection method: clinical testing. Allele origin: germline.

Color Diagnostics, LLC DBA Color Health
Classification: Likely benign for Cardiomyopathy. Last evaluated: 2019-11-13. Review status: criteria provided, single submitter. Criteria: ACMG Guidelines, 2015. Collection method: clinical testing. Allele origin: germline.

Ambry Genetics
Classification: Benign for Cardiovascular phenotype. Last evaluated: 2018-10-02. Review status: criteria provided, single submitter. Criteria: Ambry Variant Classification Scheme 2023. Collection method: clinical testing. Allele origin: germline.

Illumina Laboratory Services, Illumina
Classification: Likely benign for Arrhythmogenic right ventricular dysplasia 9. Last evaluated: 2017-04-27. Review status: criteria provided, single submitter. Criteria: ICSL Variant Classification Criteria 13 December 2019. Collection method: clinical testing. Allele origin: germline.
Comment: This variant was observed as part of a predisposition screen in an ostensibly healthy population. A literature search was performed for the gene, cDNA change, and amino acid change (where applicable). Publications were found based on this search. The evidence from the literature, in combination with allele frequency data from public databases where available, was sufficient to determine this variant is unlikely to cause disease. Therefore, this variant is classified as likely benign.

Biesecker Lab/Clinical Genomics Section, National Institutes of Health
Classification: Uncertain significance. Last evaluated: 2013-06-24. Review status: criteria provided, single submitter. Criteria: Ng et al. (Circ Cardiovasc Genet. 2013). Collection method: research. Allele origin: unknown. Observed: 1 variant allele. Study: ClinSeq.
Comment: The study set was not selected for affection status in relation to any cancer. Pathogenicity categories were based on literature curation. See Pubmed ID:23861362 for details.

Medical sequencing

PreventionGenetics, part of Exact Sciences
Classification: Likely benign for PKP2-related condition. Last evaluated: 2021-05-10. Review status: no assertion criteria provided. Collection method: clinical testing. Allele origin: germline. Not counted in ClinVar's aggregate classification.
Comment: This variant is classified as likely benign based on ACMG/AMP sequence variant interpretation guidelines (Richards et al. 2015 PMID: 25741868, with internal and published modifications).

Clinical Genetics, Academic Medical Center
Classification: Likely benign. Review status: no assertion criteria provided. Collection method: clinical testing. Allele origin: germline. Affected: yes. Study: VKGL Data-share Consensus. Not counted in ClinVar's aggregate classification.

Joint Genome Diagnostic Labs from Nijmegen and Maastricht, Radboudumc and MUMC+
Classification: Likely benign. Review status: no assertion criteria provided. Collection method: clinical testing. Allele origin: germline. Affected: yes. Study: VKGL Data-share Consensus. Not counted in ClinVar's aggregate classification.

Literature cited by the submitters: PubMed 27122407 (cited by Ambry Genetics and Illumina Laboratory Services, Illumina).